The following is an entry in ClinVar:

NM_025114.4(CEP290):c.4438-3del

Gene: CEP290 (centrosomal protein 290; minus strand). Cytogenetic location: 12q21.32.
Variant type: Deletion.
Coding change: c.4438-3del on transcript NM_025114.4 (MANE Select); 3 bases into the intron before coding-DNA position 4438, one base deleted (C; older notation c.4438-3delC).
Molecular consequence: intron variant.
Genome position (GRCh38, 1-based): chr12:88,084,855, G deleted on the plus strand (C on the coding strand, the reverse complement: CEP290 is on the minus strand). VCF-style (leftmost placement, unchanged base first): chr12-88084854-TG-T. GRCh37 (hg19) VCF-style: chr12-88478631-TG-T.
Other names: c.4438-3delC (NM_025114.4, NM_025114.3).
Identifiers: ClinVar variation 449448 (VCV000449448.29), dbSNP rs747323414, ClinGen allele CA6711929.

ClinVar aggregate classification (germline): Pathogenic. Review status: reviewed by expert panel (3 of 4 stars). 14 submissions from 14 submitters: Pathogenic (1). 13 of the submissions do not count toward it. Last evaluated 2026-07-20.

Conditions:
CEP290-related ciliopathy. Also called: CEP290 ciliopathy. Identifiers: MedGen CN305601, MONDO:0100451.
CEP290-related disorder. Also called: CEP290-related disorders; CEP290-related condition. Identifiers: MedGen CN239314.
Nephronophthisis. Also called: Juvenile Nephronophthisis. Identifiers: Orphanet 655, MedGen C0687120, MONDO:0019005, HP:0000090.
Meckel-Gruber syndrome. Also called: GRUBER SYNDROME; Dysencephalia splachnocystica; DYSENCEPHALIA SPLANCHNOCYSTICA. Identifiers: Orphanet 564, MedGen C0265215, MONDO:0018921.
Joubert syndrome. Also called: JOUBERT-BOLTSHAUSER SYNDROME; Familial aplasia of the vermis. Identifiers: Orphanet 475, MedGen C5979921, MONDO:0018772.
Joubert syndrome 5 (JBTS5). Identifiers: Orphanet 2318, MedGen C1857780, MONDO:0012432, OMIM 610188.
Meckel syndrome, type 4 (MKS4). Also called: MECKEL-GRUBER SYNDROME, TYPE 4. Identifiers: Orphanet 564, MedGen C1970161, MONDO:0012626, OMIM 611134.
Bardet-Biedl syndrome 14 (BBS14). Identifiers: Orphanet 110, MedGen C2673874, MONDO:0014442, OMIM 615991.
Senior-Loken syndrome 6 (SLSN6). Identifiers: Orphanet 3156, MedGen C1857779, MONDO:0012433, OMIM 610189.
Leber congenital amaurosis 10 (LCA10). Identifiers: Orphanet 65, MedGen C1857821, MONDO:0012723, OMIM 611755.
Leber congenital amaurosis (LCA). Also called: Leber's amaurosis. Identifiers: Orphanet 65, MedGen C0339527, MeSH D057130, MONDO:0018998.
Retinal disorder. Also called: Retinopathies; Retinal Diseases; Retinal disorders; Retinopathy. Identifiers: MedGen C0035309, MONDO:0005283, HP:0000488.

Allele frequency attached by ClinVar (database versions not stated): gnomAD exomes 0.00002 and 0.00003; TOPMed 0.00003; gnomAD 0.00004; ExAC 0.00006; ESP Exome Variant Server 0.00009.

Submissions 1 to 7 of 14:

ClinGen Leber Congenital Amaurosis/early Onset Retinal Dystrophy Variant Curation Expert Panel, ClinGen
Classification: Pathogenic for CEP290-related ciliopathy. Last evaluated: 2026-07-20. Review status: reviewed by expert panel. Criteria: ClinGen LCAeoRD ACMG Specifications CEP290 V1.0.0. Collection method: curation. Allele origin: germline. Inheritance: Autosomal recessive inheritance.
Comment: NM_025114.4(CEP290):c.4438-3del is an intron 34 variant. The splicing impact predictor SpliceAI gives a score of 0.97, which is above the ClinGen LCA/eoRD VCEP recommended threshold of ≥0.2 and predicts a damaging impact on splicing (PP3). This variant is present in gnomAD v.4.1.1 at a total allele frequency of 0.000023, with 35 alleles / 1519086 total alleles, which is lower than the ClinGen LCA/eoRD VCEP PM2_Supporting threshold of <0.0006 (PM2_Supporting). This variant has been reported in at least 5 probands with early-onset severe retinal dystrophy who were compound heterozygous with the NM_025114.4(CEP290):c.2991+1655A>G, NM_025114.4(CEP290):c.1219_1220del (p.Met407GlufsTer14), or NM_025114.4(CEP290):c.3123dup (p.Lys1042Ter) variants confirmed in trans, or the NM_025114.4(CEP290):c.2991+1655A>G or NM_025114.4(CEP290):c.164_167del (p.Thr55fs) variants suspected but not confirmed in trans, which were previously classified pathogenic by the ClinGen LCA/eoRD VCEP (4 total points, VCEP member-provided data, PMID: 28559085, PMID: 37510321, PM3_VeryStrong). At least one proband harboring this variant exhibits a diagnosis compatible with early onset severe retinal dystrophy with phenotypes that are sufficiently specific for CEP290-related ciliopathy to meet the PP4 code (total 4 points, VCEP member-provided data. PP4). In summary, this variant meets the criteria to be classified as Pathogenic for CEP290-related ciliopathy based on the ACMG/AMP criteria applied, as specified by the ClinGen LCA/eoRD VCEP: PM2_Supporting, PP3, PM3_VeryStrong, and PP4.(LCA/eoRD VCEP Specifications for CEP290 Version 1.0.0)

Women's Health and Genetics/Laboratory Corporation of America, LabCorp
Classification: Likely pathogenic for Meckel syndrome, type 4. Last evaluated: 2026-06-30. Review status: criteria provided, single submitter. Criteria: LabCorp Variant Classification Summary - May 2015. Collection method: clinical testing. Allele origin: germline. Not counted in ClinVar's aggregate classification.
Comment: Variant summary: CEP290 c.4438-3delC alters a nucleotide located close to a canonical splice site and therefore could affect mRNA splicing, leading to a significantly altered protein sequence. Several computational tools predict a significant impact on normal splicing: Two predict the variant abolishes a 3' acceptor site. One predict the variant weakens a 3' acceptor site. However, these predictions have yet to be confirmed by functional studies. The variant allele was found at a frequency of 2.6e-05 in 154736 control chromosomes. c.4438-3delC has been observed in individuals affected with clinical features of Meckel Syndrome Type 4 or LeberCongenitalAmaurosis (Zampaglione_2022, Areblom_2023, Lin_2024, Pasadhika_2010, internal data). These data indicate that the variant is likely to be associated with disease. To our knowledge, no experimental evidence demonstrating an impact on protein function has been reported. The following publications have been ascertained in the context of this evaluation (PMID: 37510321, 38219857, 19959640, 34906470). ClinVar contains an entry for this variant (Variation ID: 449448). Based on the evidence outlined above, the variant was classified as likely pathogenic.

Labcorp Genetics (formerly Invitae), Labcorp
Classification: Pathogenic for Joubert syndrome; Meckel-Gruber syndrome; Nephronophthisis. Last evaluated: 2026-01-11. Review status: criteria provided, single submitter. Criteria: Invitae Variant Classification Sherloc (09022015). Collection method: clinical testing. Allele origin: germline. Not counted in ClinVar's aggregate classification.
Comment: This sequence change falls in intron 34 of the CEP290 gene. It does not directly change the encoded amino acid sequence of the CEP290 protein. It affects a nucleotide within the consensus splice site. This variant is present in population databases (rs747323414, gnomAD 0.01%). This variant has been observed in individuals with Leber congenital amaurosis (PMID: 19959640, 21153841, 26529047; internal datadatabase). ClinVar contains an entry for this variant (Variation ID: 449448). Variants that disrupt the consensus splice site are a relatively common cause of aberrant splicing (PMID: 17576681, 9536098). Algorithms developed to predict the effect of sequence changes on RNA splicing suggest that this variant may disrupt the consensus splice site. For these reasons, this variant has been classified as Pathogenic.

PreventionGenetics, part of Exact Sciences
Classification: Likely pathogenic for CEP290-related condition. Last evaluated: 2025-12-30. Review status: criteria provided, single submitter. Criteria: ACMG Guidelines, 2015. Collection method: clinical testing. Allele origin: germline. Not counted in ClinVar's aggregate classification.
Comment: The CEP290 c.4438-3delC variant is predicted to result in an intronic deletion. This variant is predicted to significantly weaken the acceptor splice site (SpliceAI, Jaganathan et al. 2019. PubMed ID: 30661751) and has been reported along with a second causative variant in multiple unrelated patients with Leber congenital amaurosis (LCA) (Pasadhika et al. 2010. PubMed ID: 19959640, reported as IVS34-3 del1gC; Wiszniewski et al. 2011. PubMed ID: 21153841; Collison et al. 2015. PubMed ID: 26529047; Table S1, Lin et al. 2024. PubMed ID: 38219857). This variant is reported in 0.010% of alleles in individuals of African descent in gnomAD. This variant is interpreted as likely pathogenic.

GeneDx
Classification: Likely pathogenic. Last evaluated: 2025-06-05. Review status: criteria provided, single submitter. Criteria: GeneDx Variant Classification Process June 2021. Collection method: clinical testing. Allele origin: germline. Affected: yes. Not counted in ClinVar's aggregate classification.
Comment: Not observed at significant frequency in large population cohorts (gnomAD); In silico analysis supports a deleterious effect on splicing; This variant is associated with the following publications: (PMID: 37510321, 36819107, 34906470, 19959640, 21153841, 26529047)

Natera, Inc.
Classification: Likely pathogenic for Leber congenital amaurosis. Last evaluated: 2025-02-18. Review status: criteria provided, single submitter. Criteria: Natera Variant Classification Schema (03/2026). Collection method: clinical testing. Allele origin: germline. Not counted in ClinVar's aggregate classification.
Comment: The c.4438-3delC variant in CEP290 is a frameshift variant predicted to shift the reading frame and introduce a stop codon. This variant is rare in the general population with a frequency below the threshold expected for the associated phenotype(s). This variant has been observed in one or more individuals affected with the associated recessive disease, as either homozygous or compound heterozygous with a second variant (PMID: 37510321, 34906470, 33749171, 30559420, 26529047, 21153841). Computational prediction algorithms indicate this variant is likely to affect gene or protein function. Given the available evidence, this variant is classified as Likely Pathogenic.

3billion
Classification: Pathogenic for Leber congenital amaurosis 10. Last evaluated: 2025-02-13. Review status: criteria provided, single submitter. Criteria: ACMG Guidelines, 2015. Collection method: clinical testing. Allele origin: germline. Affected: yes. Not counted in ClinVar's aggregate classification.
Comment: The variant is observed at an extremely low frequency in the gnomAD v4.1.0 dataset (total allele frequency: 0.002%). Predicted Consequence/Location: Intron variant In silico tools predict the variant to alter splicing and produce an abnormal transcript [SpliceAI: 0.97 (>=0.2, moderate evidence for spliceogenicity)]. The variant has been reported to be in trans with a pathogenic variant as either compound heterozygous or homozygous in at least 4 similarly affected unrelated individuals (PMID: 21153841, 26529047, 28559085, 33749171, 37510321). The variant has been reported at least twice as pathogenic without evidence for the classification (ClinVar ID: VCV000449448 /PMID: 19959640). Therefore, this variant is classified as Pathogenic according to the recommendation of ACMG/AMP guideline.